The following is an entry in ClinVar:

NM_019066.5(MAGEL2):c.939CCCACCTGCACAGCCGATGGC[1] (p.314PPAQPMA[1])

Gene: MAGEL2 (MAGE family member L2; minus strand). Cytogenetic location: 15q11.2.
Variant type: Microsatellite.
Coding change: c.939CCCACCTGCACAGCCGATGGC[1] on transcript NM_019066.5 (MANE Select); one copy of the 21-base unit CCCACCTGCACAGCCGATGGC starting at c.939; the reference has two copies in a row; one copy, 21 bases deleted.
Protein change: p.314PPAQPMA[1].
Molecular consequence: inframe deletion.
Genome position (GRCh38, 1-based): chr15:23,646,763-23,646,783, GCCATCGGCTGTGCAGGTGGG deleted on the plus strand (CCCACCTGCACAGCCGATGGC on the coding strand, the reverse complement: MAGEL2 is on the minus strand); deleting any 21 consecutive bases within chr15:23,646,763-23,646,807 gives the same sequence; the position shown is the placement nearest the transcript's 3' end. VCF-style (leftmost placement, unchanged base first): chr15-23646762-AGCCATCGGCTGTGCAGGTGGG-A. GRCh37 (hg19) VCF-style: chr15-23891909-AGCCATCGGCTGTGCAGGTGGG-A.
Identifiers: ClinVar variation 498094 (VCV000498094.43), dbSNP rs528108868, ClinGen allele CA7430060.

ClinVar aggregate classification (germline): Conflicting classifications of pathogenicity. Review status: criteria provided, conflicting classifications (1 of 4 stars). 4 submissions from 4 submitters: Uncertain significance (1); Benign (1); Likely benign (2). Last evaluated 2026-01-27.

Submissions (4):

Labcorp Genetics (formerly Invitae), Labcorp
Classification: Benign. Last evaluated: 2026-01-27. Review status: criteria provided, single submitter. Criteria: Invitae Variant Classification Sherloc (09022015). Collection method: clinical testing. Allele origin: germline.

CeGaT Center for Human Genetics Tuebingen
Classification: Likely benign. Last evaluated: 2025-08-01. Review status: criteria provided, single submitter. Criteria: CeGaT Center For Human Genetics Tuebingen Variant Classification Criteria Version 2. Collection method: clinical testing. Allele origin: germline. Affected: yes. Observed: 5 variant alleles.
Comment: MAGEL2: PM4, BS1, BS2

Genetic Services Laboratory, University of Chicago
Classification: Likely benign. Last evaluated: 2018-11-27. Review status: criteria provided, single submitter. Criteria: ACMG Guidelines, 2015. Collection method: clinical testing. Allele origin: germline. Affected: no.

Eurofins Ntd Llc (ga)
Classification: Uncertain significance. Last evaluated: 2016-11-28. Review status: criteria provided, single submitter. Criteria: EGL Classification Definitions 2015. Collection method: clinical testing. Allele origin: germline. Observed: 2 variant alleles, 2 heterozygotes.